The following is an entry in ClinVar:

NM_000302.4(PLOD1):c.1334T>C (p.Val445Ala)

Gene: PLOD1 (procollagen-lysine,2-oxoglutarate 5-dioxygenase 1; plus strand). Cytogenetic location: 1p36.22.
Variant type: single nucleotide variant.
Coding change: c.1334T>C on transcript NM_000302.4 (MANE Select); coding-DNA position 1334, T replaced by C.
Protein change: p.Val445Ala; replaces valine 445 with alanine.
Molecular consequence: missense variant.
Genome position (GRCh38, 1-based): chr1:11,964,649, T>C. VCF-style: chr1-11964649-T-C. GRCh37 (hg19) VCF-style: chr1-12024706-T-C.
Other names: c.1475T>C, p.Val492Ala (NM_001316320.2); short protein forms V445A, V492A.
Identifiers: ClinVar variation 429267 (VCV000429267.2), dbSNP rs922997919, ClinGen allele CA18013124.

ClinVar aggregate classification (germline): Uncertain significance (1 of 4 stars; one submission).

gnomAD v4.1: 2 of 1,612,344 alleles (0.00012%); highest among the groups gnomAD compares: Non-Finnish European, 0.00017%; no homozygotes.

Submission:

GeneDx
Classification: Uncertain significance. Last evaluated: 2017-05-03. Review status: criteria provided, single submitter. Criteria: GeneDx Variant Classification (06012015). Collection method: clinical testing. Allele origin: germline. Affected: yes.
Comment: A variant of uncertain significance has been identified in the PLOD1 gene. The V445A variant has not been published as pathogenic or been reported as benign to our knowledge. Additionally, this variant is not observed in large population cohorts (Lek et al., 2016; 1000 Genomes Consortium et al., 2015; Exome Variant Server). The V445A variant is a conservative amino acid substitution, which is not likely to impact secondary protein structure as these residues share similar properties. Additionally, this substitution occurs at a position where amino acids with similar properties to valine (V) are tolerated across species. Nevertheless, in silico analysis predicts this variant is probably damaging to the protein structure/function.